The following is an entry in ClinVar:

NM_198525.3(KIF7):c.2538G>A (p.Thr846=)

Gene: KIF7 (kinesin family member 7; minus strand). Cytogenetic location: 15q26.1.
Variant type: single nucleotide variant.
Coding change: c.2538G>A on transcript NM_198525.3 (MANE Select); coding-DNA position 2538, G replaced by A.
Protein change: p.Thr846=; no amino-acid change (threonine 846 retained).
Molecular consequence: synonymous variant.
Genome position (GRCh38, 1-based): chr15:89,633,740, C>T on the plus strand (G>A on the coding strand, the complement: KIF7 is on the minus strand). VCF-style: chr15-89633740-C-T. GRCh37 (hg19) VCF-style: chr15-90176971-C-T.
Identifiers: ClinVar variation 772360 (VCV000772360.32), dbSNP rs746816055, ClinGen allele CA7728108.
Genomic context (GRCh38, chr15:89,633,740, plus strand): 5'-CCTGACCTTGACGCGGTGCTGCCGCTTGCTCATTTCTGCCTCCAGGCGCCGCTTCTGCTC[C>T]GTCTCCTCGCGAAGCCGCCTCTGCAGCTGTCCCTGCTGCTGCCGCATGAGCTGCACGTTC-3'
Protein context (NP_940927.2, residues 836-856): GQLQRRLREE[Thr846=]EQKRRLEAEM

ClinVar aggregate classification (germline): Likely benign. Review status: criteria provided, multiple submitters, no conflicts (2 of 4 stars). 2 submissions from 2 submitters: Likely benign (2). Last evaluated 2026-01-17.

Conditions:
Acrocallosal syndrome (ACLS). Also called: HALLUX DUPLICATION, POSTAXIAL POLYDACTYLY, AND ABSENCE OF CORPUS CALLOSUM; Schinzel syndrome 1; Absence of corpus callosum with unusual facial appearance, mental deficiency, duplication of the halluces and polydactyly. Identifiers: Orphanet 36, MedGen C0796147, MONDO:0008708, OMIM 200990.

Allele frequency attached by ClinVar (database versions not stated): gnomAD exomes 0.00002 and 0.00004; ExAC 0.00003; gnomAD 0.00003; TOPMed 0.00005.
gnomAD v4.1: 28 of 1,609,070 alleles (0.0017%); highest among the groups gnomAD compares: Middle Eastern, 0.017%; 1 homozygote.

Submissions (2):

Labcorp Genetics (formerly Invitae), Labcorp
Classification: Likely benign for Acrocallosal syndrome. Last evaluated: 2026-01-17. Review status: criteria provided, single submitter. Criteria: Invitae Variant Classification Sherloc (09022015). Collection method: clinical testing. Allele origin: germline.

CeGaT Center for Human Genetics Tuebingen
Classification: Likely benign. Last evaluated: 2023-03-01. Review status: criteria provided, single submitter. Criteria: CeGaT Center For Human Genetics Tuebingen Variant Classification Criteria Version 2. Collection method: clinical testing. Allele origin: germline. Affected: yes. Observed: 1 variant allele.
Comment: KIF7: BP4, BP7